The following is an entry in ClinVar:

NM_001943.5(DSG2):c.2079A>C (p.Glu693Asp)

Genes: DSG2 (desmoglein 2; plus strand), DSG2-AS1 (DSG2 antisense RNA 1; minus strand). Cytogenetic location: 18q12.1.
Variant type: single nucleotide variant.
Coding change: c.2079A>C on transcript NM_001943.5 (MANE Select); coding-DNA position 2079, A replaced by C.
Protein change: p.Glu693Asp; replaces glutamic acid 693 with aspartic acid.
Molecular consequence: missense variant.
Genome position (GRCh38, 1-based): chr18:31,542,597, A>C. VCF-style: chr18-31542597-A-C. GRCh37 (hg19) VCF-style: chr18-29122560-A-C.
Other names: p.Glu693Asp; c.2079A>C (LRG_397t1); short protein forms E693D.
Identifiers: ClinVar variation 570467 (VCV000570467.21), dbSNP rs375595872, ClinGen allele CA044792.

ClinVar aggregate classification (germline): Uncertain significance. Review status: criteria provided, multiple submitters, no conflicts (2 of 4 stars). 6 submissions from 6 submitters: Uncertain significance (5). 1 of the submissions does not count toward it. Last evaluated 2025-06-28.

Conditions:
Cardiovascular phenotype. Identifiers: MedGen CN230736.
DSG2-related disorder. Also called: DSG2-related condition.
Cardiomyopathy (CMYO). Also called: Cardiomyopathies. Identifiers: Orphanet 167848, MedGen C0878544, MONDO:0004994, HP:0001638. Inheritance: Various modes of inheritance.
Arrhythmogenic right ventricular dysplasia 10. Also called: Arrhythmogenic right ventricular dysplasia/cardiomyopathy, type 10; Arrhythmogenic Right Ventricular Dysplasia/Cardiomyopathy10; ARRHYTHMOGENIC RIGHT VENTRICULAR DYSPLASIA, FAMILIAL, 10. Identifiers: MedGen C1857777, MONDO:0012434, OMIM 610193.
Arrhythmogenic right ventricular cardiomyopathy (ARVD). Also called: Arrhythmogenic cardiomyopathy; Arrhythmogenic Right Ventricular Cardiomyopathy (ARVC); Cardiomyopathy, ARVC; Arrhythmogenic right ventricular dysplasia. Identifiers: Orphanet 247, MedGen C0349788, MeSH D019571, MONDO:0016587. Disease mechanism: loss of function. Inheritance: Various modes of inheritance.

Allele frequency attached by ClinVar (database versions not stated): ExAC 0.00002; TOPMed 0.00002; gnomAD 0.00003; gnomAD exomes 0.00003 and 0.00008; ESP Exome Variant Server 0.00008.
gnomAD v4.1: 116 of 1,614,034 alleles (0.0072%); highest among the groups gnomAD compares: Non-Finnish European, 0.0094%; no homozygotes.

Submissions (6):

Ambry Genetics
Classification: Uncertain significance for Cardiovascular phenotype. Last evaluated: 2025-06-28. Review status: criteria provided, single submitter. Criteria: Ambry Variant Classification Scheme 2023. Collection method: clinical testing. Allele origin: germline.
Comment: The p.E693D variant (also known as c.2079A>C), located in coding exon 14 of the DSG2 gene, results from an A to C substitution at nucleotide position 2079. The glutamic acid at codon 693 is replaced by aspartic acid, an amino acid with highly similar properties. This amino acid position is not well conserved in available vertebrate species. In addition, this alteration is predicted to be tolerated by in silico analysis. Since supporting evidence is limited at this time, the clinical significance of this alteration remains unclear.

Labcorp Genetics (formerly Invitae), Labcorp
Classification: Uncertain significance for Arrhythmogenic right ventricular dysplasia 10. Last evaluated: 2024-12-26. Review status: criteria provided, single submitter. Criteria: Invitae Variant Classification Sherloc (09022015). Collection method: clinical testing. Allele origin: germline.
Comment: This sequence change replaces glutamic acid, which is acidic and polar, with aspartic acid, which is acidic and polar, at codon 693 of the DSG2 protein (p.Glu693Asp). The frequency data for this variant in the population databases is considered unreliable, as metrics indicate poor data quality at this position in the gnomAD database. This variant has not been reported in the literature in individuals affected with DSG2-related conditions. ClinVar contains an entry for this variant (Variation ID: 570467). Invitae Evidence Modeling of protein sequence and biophysical properties (such as structural, functional, and spatial information, amino acid conservation, physicochemical variation, residue mobility, and thermodynamic stability) indicates that this missense variant is not expected to disrupt DSG2 protein function with a negative predictive value of 95%. In summary, the available evidence is currently insufficient to determine the role of this variant in disease. Therefore, it has been classified as a Variant of Uncertain Significance.

Mayo Clinic Laboratories, Mayo Clinic
Classification: Uncertain significance. Last evaluated: 2024-07-16. Review status: criteria provided, single submitter. Criteria: ACMG Guidelines, 2015. Collection method: clinical testing. Allele origin: germline. Observed: 1 variant allele.
Comment: BP4

All of Us Research Program, National Institutes of Health
Classification: Uncertain significance for Arrhythmogenic right ventricular cardiomyopathy. Last evaluated: 2024-05-14. Review status: criteria provided, single submitter. Criteria: ACMG Guidelines, 2015. Collection method: clinical testing. Allele origin: germline. Inheritance: Autosomal dominant inheritance. Observed: 14 variant alleles, 14 heterozygotes.
Comment: This missense variant replaces glutamic acid with aspartic acid at codon 693 of the DSG2 protein. Computational prediction suggests that this variant may not impact protein structure and function (internally defined REVEL score threshold <= 0.5, PMID: 27666373). To our knowledge, functional studies have not been reported for this variant. This variant has not been reported in individuals affected with cardiovascular disorders in the literature. This variant has not been identified in the general population by the Genome Aggregation Database (gnomAD). The available evidence is insufficient to determine the role of this variant in disease conclusively. Therefore, this variant is classified as a Variant of Uncertain Significance.

This study involves interpretation of variants in research participants for the purpose of population health screening. Participant phenotype was not available at the time of variant classification. Additional details can be found in publication PMID: 35346344, PMCID: PMC8962531

Color Diagnostics, LLC DBA Color Health
Classification: Uncertain significance for Cardiomyopathy. Last evaluated: 2024-03-07. Review status: criteria provided, single submitter. Criteria: ACMG Guidelines, 2015. Collection method: clinical testing. Allele origin: germline.
Comment: This missense variant replaces glutamic acid with aspartic acid at codon 693 of the DSG2 protein. Computational prediction suggests that this variant may not impact protein structure and function (internally defined REVEL score threshold <= 0.5, PMID: 27666373). To our knowledge, functional studies have not been reported for this variant. This variant has not been reported in individuals affected with DSG2-related disorders in the literature. This variant has not been identified in the general population by the Genome Aggregation Database (gnomAD). The available evidence is insufficient to determine the role of this variant in disease conclusively. Therefore, this variant is classified as a Variant of Uncertain Significance.

PreventionGenetics, part of Exact Sciences
Classification: Uncertain significance for DSG2-related condition. Last evaluated: 2024-09-18. Review status: no assertion criteria provided. Collection method: clinical testing. Allele origin: germline. Not counted in ClinVar's aggregate classification.
Comment: The DSG2 c.2079A>C variant is predicted to result in the amino acid substitution p.Glu693Asp. To our knowledge, this variant has not been reported in the literature. This variant is reported in 0.0062% of alleles in individuals of European (Non-Finnish) descent in gnomAD. At this time, the clinical significance of this variant is uncertain due to the absence of conclusive functional and genetic evidence.